The following is an entry in ClinVar:

ClinVar aggregate classification (germline): Uncertain significance. Review status: criteria provided, multiple submitters, no conflicts (2 of 4 stars). 2 submissions from 2 submitters: Uncertain significance (2). Last evaluated 2026-09-15.

Conditions:
Neurodevelopmental disorder. Identifiers: MedGen C1535926, MeSH D065886, MONDO:0700092.

Submissions (2):

GeneDx
Classification: Uncertain significance. Last evaluated: 2026-09-15. Review status: criteria provided, single submitter. Criteria: GeneDx Variant Classification Process June 2021. Collection method: clinical testing. Allele origin: germline.
Comment: Reported in an individual with arrhythmogenic right ventricular cardiomyopathy in published literature (Roberts et al., 2019); Not observed at significant frequency in large population cohorts (gnomAD); In silico analysis supports that this missense variant has a deleterious effect on protein structure/function; This variant is associated with the following publications: (PMID: 31264976, 39867173)

New York Genome Center
Classification: Uncertain significance for Neurodevelopmental Disorder. Last evaluated: 2021-01-21. Review status: criteria provided, single submitter. Criteria: NYGC Assertion Criteria 2020. Collection method: clinical testing. Allele origin: inherited. Observed: 1 heterozygote. Study: CSER-NYCKidSeq.
Comment: The inherited heterozygous c.5963T>C (p.Met1988Thr) variant identified in the ANK2 gene has not been reported in affected individuals in the literature. The variant is absent from the gnomAD(V3) database indicating it is an extremelyrare variant in the populations represented in that database. The variant affects an evolutionarily conserved residue and is predicted deleterious by multiple in silico prediction tools. Giventhe lack of compelling evidence for its pathogenicity, the inheritedc.5963T>C (p.Met1988Thr) variant identified in the ANK2 gene is reported here as a variant of uncertain significance.

NM_001148.6(ANK2):c.5963T>C (p.Met1988Thr)

Genes: ANK2 (ankyrin 2; plus strand), LOC126807136 (MED14-independent group 3 enhancer GRCh37_chr4:114274931-114276130; plus strand). Cytogenetic location: 4q26.
Variant type: single nucleotide variant.
Coding change: c.5963T>C on transcript NM_001148.6 (MANE Select); coding-DNA position 5963, T replaced by C.
Protein change: p.Met1988Thr; replaces methionine 1988 with threonine.
Molecular consequence: missense variant. On other transcripts: intron variant (68).
Genome position (GRCh38, 1-based): chr4:113,354,581, T>C. VCF-style: chr4-113354581-T-C. GRCh37 (hg19) VCF-style: chr4-114275737-T-C.
Other names: c.5963T>C (NM_001148.4); c.5729T>C, p.Met1910Thr (NM_001386142.1); c.2363T>C, p.Met788Thr (NM_001386166.1); c.6104T>C, p.Met2035Thr (NM_001386174.1); c.6080T>C, p.Met2027Thr (NM_001386175.1); c.4411+4332T>C (NM_001386186.2, NM_001386148.2); c.4213+4332T>C (NM_001354269.3); c.4291+4332T>C (NM_001386187.2); and 36 more; short protein forms M1910T, M1988T, M2027T, M2035T, M788T.
Identifiers: ClinVar variation 1341732 (VCV001341732.3), dbSNP rs2154021231, ClinGen allele CA357921923.